The following is an entry in ClinVar:

ClinVar aggregate classification (germline): Uncertain significance (1 of 4 stars; one submission).

Conditions:
CARD14-related disorder. Also called: CARD14-related condition.

Submission:

PreventionGenetics, part of Exact Sciences
Classification: Uncertain significance for CARD14-related condition. Last evaluated: 2025-04-23. Review status: criteria provided, single submitter. Criteria: ACMG Guidelines, 2015. Collection method: clinical testing. Allele origin: germline.
Comment: The CARD14 c.2935G>T variant is predicted to result in the amino acid substitution p.Asp979Tyr. To our knowledge, this variant has not been reported in the literature or in a large population database (gnomAD), indicating this variant is rare. At this time, the clinical significance of this variant is uncertain due to the absence of conclusive functional and genetic evidence.

NM_001366385.1(CARD14):c.2935G>T (p.Asp979Tyr)

Genes: CARD14 (caspase recruitment domain family member 14; plus strand), SGSH (N-sulfoglucosamine sulfohydrolase; minus strand). Cytogenetic location: 17q25.3.
Variant type: single nucleotide variant.
Coding change: c.2935G>T on transcript NM_001366385.1 (MANE Select); coding-DNA position 2935, G replaced by T.
Protein change: p.Asp979Tyr; replaces aspartic acid 979 with tyrosine.
Molecular consequence: missense variant. On other transcripts: non-coding transcript variant (1).
Genome position (GRCh38, 1-based): chr17:80,208,265, G>T. VCF-style: chr17-80208265-G-T. GRCh37 (hg19) VCF-style: chr17-78182064-G-T.
Other names: c.2935G>T, p.Asp979Tyr (NM_024110.4); short protein forms D979Y.
Identifiers: ClinVar variation 5000373 (VCV005000373.1).